The following is an entry in ClinVar:

ClinVar aggregate classification (germline): Benign/Likely benign. Review status: criteria provided, multiple submitters, no conflicts (2 of 4 stars). 4 submissions from 4 submitters: Benign (2); Likely benign (1). 1 of the submissions does not count toward it. Last evaluated 2026-01-31.

Conditions:
FRAS1-related disorder. Also called: FRAS1-related condition.

Allele frequency attached by ClinVar (database versions not stated): gnomAD exomes 0.00043; ExAC 0.00054; 1000 Genomes Project 0.00140; gnomAD 0.00159 and 0.00175; 1000 Genomes Project 30x 0.00172; TOPMed 0.00179; ESP Exome Variant Server 0.00205.
gnomAD v4.1: 427 of 1,613,436 alleles (0.026%); highest among the groups gnomAD compares: African/African-American, 0.51%; 1 homozygote.

Submissions (4):

Labcorp Genetics (formerly Invitae), Labcorp
Classification: Benign. Last evaluated: 2026-01-31. Review status: criteria provided, single submitter. Criteria: Invitae Variant Classification Sherloc (09022015). Collection method: clinical testing. Allele origin: germline.

Blueprint Genetics
Classification: Likely benign. Last evaluated: 2024-08-06. Review status: criteria provided, single submitter. Criteria: ACMG Guidelines, 2015. Collection method: clinical testing. Allele origin: germline.

Breakthrough Genomics
Classification: Benign. Review status: criteria provided, single submitter. Criteria: ACMG Guidelines, 2015. Collection method: not provided. Allele origin: germline. Inheritance: Autosomal recessive inheritance. Affected: yes.

PreventionGenetics, part of Exact Sciences
Classification: Likely benign for FRAS1-related condition. Last evaluated: 2020-03-13. Review status: no assertion criteria provided. Collection method: clinical testing. Allele origin: germline. Not counted in ClinVar's aggregate classification.
Comment: This variant is classified as likely benign based on ACMG/AMP sequence variant interpretation guidelines (Richards et al. 2015 PMID: 25741868, with internal and published modifications).

NM_025074.7(FRAS1):c.8973G>A (p.Thr2991=)

Gene: FRAS1 (Fraser extracellular matrix complex subunit 1; plus strand). Cytogenetic location: 4q21.21.
Variant type: single nucleotide variant.
Coding change: c.8973G>A on transcript NM_025074.7 (MANE Select); coding-DNA position 8973, G replaced by A.
Protein change: p.Thr2991=; no amino-acid change (threonine 2991 retained).
Molecular consequence: synonymous variant.
Genome position (GRCh38, 1-based): chr4:78,496,819, G>A. VCF-style: chr4-78496819-G-A. GRCh37 (hg19) VCF-style: chr4-79417973-G-A.
Identifiers: ClinVar variation 706005 (VCV000706005.14), dbSNP rs187612429, ClinGen allele CA2978548.
Genomic context (GRCh38, chr4:78,496,819, plus strand): 5'-GATATCTTGCTGAAAATTTTAATCTGTCTTGTGCCATTGGCTCTAGGTGAAGAACTGTAC[G>A]GTCTATATCCACGATGACTCCATGTTTGAGCCAGAGGAACAGTTCAGGGTCTACCTCGGC-3'
Protein context (NP_079350.5, residues 2981-3001): FLKGDKVKNC[Thr2991=]VYIHDDSMFE